The following is an entry in ClinVar:

NM_004958.4(MTOR):c.544TTC[2] (p.Phe184del)

Gene: MTOR (mechanistic target of rapamycin kinase; minus strand). Cytogenetic location: 1p36.22.
Variant type: Microsatellite.
Coding change: c.544TTC[2] on transcript NM_004958.4 (MANE Select); two copies in a row of the 3-base unit TTC starting at c.544; the reference has three copies in a row; one copy, 3 bases deleted; also written c.550_552del.
Protein change: p.Phe184del; deletes phenylalanine 184.
Molecular consequence: 5 prime UTR variant (on NM_001386501.1). On other transcripts: inframe indel (2).
Genome position (GRCh38, 1-based): chr1:11,256,145-11,256,147, GAA deleted on the plus strand (TTC on the coding strand, the reverse complement: MTOR is on the minus strand); deleting any 3 consecutive bases within chr1:11,256,145-11,256,154 gives the same sequence; the position shown is the placement nearest the transcript's 3' end. VCF-style (leftmost placement, unchanged base first): chr1-11256144-GGAA-G. GRCh37 (hg19) VCF-style: chr1-11316201-GGAA-G.
Other names: c.544TTC[2], p.Phe184del (NM_001386500.1); c.-596TTC[2] (NM_001386501.1); c.543_545CTT[2], p.Phe184del (NM_004958.3); c.550_552del (NM_004958.3); short protein forms F184del.
Identifiers: ClinVar variation 3372995 (VCV003372995.1).
Genomic context (GRCh38, chr1:11,256,144, plus strand): 5'-TGGCCTGTTTGGGGTCCCACACGGCCACAAAAATGTTGTCAAAGAAGGGTTGCACTTGCT[GGAA>G]GAAGAAGGTAGGGACGCTGATGGCCAGCTCACGGAGAACCAGGACCTGGAGAAAAAAGCA-3'

ClinVar aggregate classification (germline): Uncertain significance (1 of 4 stars; one submission).

Submission:

GeneDx
Classification: Uncertain significance. Last evaluated: 2024-05-02. Review status: criteria provided, single submitter. Criteria: GeneDx Variant Classification Process June 2021. Collection method: clinical testing. Allele origin: germline. Affected: yes.
Comment: In-frame deletion of 1 amino acid in a non-repeat region; In silico analysis supports a deleterious effect on protein structure/function; Has not been previously published as pathogenic or benign to our knowledge